The following is an entry in ClinVar:

ClinVar aggregate classification (germline): Pathogenic (1 of 4 stars; one submission).

gnomAD v4.1: 2 of 1,614,138 alleles (0.00012%); highest among the groups gnomAD compares: Non-Finnish European, 0.00017%; no homozygotes.

Submission:

Labcorp Genetics (formerly Invitae), Labcorp
Classification: Pathogenic. Last evaluated: 2025-08-08. Review status: criteria provided, single submitter. Criteria: Invitae Variant Classification Sherloc (09022015). Collection method: clinical testing. Allele origin: germline.
Comment: This sequence change creates a premature translational stop signal (p.Gln526*) in the TET2 gene. It is expected to result in an absent or disrupted protein product. Loss-of-function variants in TET2 are known to be pathogenic (PMID: 36066697). This variant is not present in population databases (gnomAD no frequency). This variant has not been reported in the literature in individuals affected with TET2-related conditions. For these reasons, this variant has been classified as Pathogenic.

Literature cited by the submitters: PubMed 36066697.

NM_001127208.3(TET2):c.1576C>T (p.Gln526Ter)

Genes: TET2 (tet methylcytosine dioxygenase 2; plus strand), TET2-AS1 (TET2 antisense RNA 1; minus strand). Cytogenetic location: 4q24.
Variant type: single nucleotide variant.
Coding change: c.1576C>T on transcript NM_001127208.3 (MANE Select); coding-DNA position 1576, C replaced by T.
Protein change: p.Gln526Ter; replaces glutamine 526 with a stop codon.
Molecular consequence: nonsense.
Genome position (GRCh38, 1-based): chr4:105,235,518, C>T. VCF-style: chr4-105235518-C-T. GRCh37 (hg19) VCF-style: chr4-106156675-C-T.
Other names: c.1576C>T, p.Gln526Ter (NM_017628.4); short protein forms Q526*.
Identifiers: ClinVar variation 4750524 (VCV004750524.1).